The following is an entry in ClinVar:

ClinVar aggregate classification (germline): Pathogenic (1 of 4 stars; one submission).

gnomAD v4.1: 1 of 1,551,826 alleles (0.000064%); highest among the groups gnomAD compares: South Asian, 0.0012%; no homozygotes.

Submission:

Labcorp Genetics (formerly Invitae), Labcorp
Classification: Pathogenic. Last evaluated: 2023-07-25. Review status: criteria provided, single submitter. Criteria: Invitae Variant Classification Sherloc (09022015). Collection method: clinical testing. Allele origin: germline.
Comment: For these reasons, this variant has been classified as Pathogenic. This variant has not been reported in the literature in individuals affected with LOXHD1-related conditions. This variant is present in population databases (no rsID available, gnomAD 0.004%). This sequence change creates a premature translational stop signal (p.Trp658*) in the LOXHD1 gene. It is expected to result in an absent or disrupted protein product. Loss-of-function variants in LOXHD1 are known to be pathogenic (PMID: 19732867, 21465660, 25792669).

Literature cited by the submitters: PubMed 19732867; PubMed 21465660; PubMed 25792669.

NM_001384474.1(LOXHD1):c.1973G>A (p.Trp658Ter)

Gene: LOXHD1 (lipoxygenase homology PLAT domains 1; minus strand). Cytogenetic location: 18q21.1.
Variant type: single nucleotide variant.
Coding change: c.1973G>A on transcript NM_001384474.1 (MANE Select); coding-DNA position 1973, G replaced by A.
Protein change: p.Trp658Ter; replaces tryptophan 658 with a stop codon.
Molecular consequence: nonsense.
Genome position (GRCh38, 1-based): chr18:46,572,160, C>T on the plus strand (G>A on the coding strand, the complement: LOXHD1 is on the minus strand). VCF-style: chr18-46572160-C-T. GRCh37 (hg19) VCF-style: chr18-44152123-C-T.
Other names: c.1973G>A, p.Trp658Ter (NM_144612.7); short protein forms W658*.
Identifiers: ClinVar variation 2746347 (VCV002746347.3), dbSNP rs1402775763, ClinGen allele CA402376539.